The following is an entry in ClinVar:

NM_000548.5(TSC2):c.382A>C (p.Lys128Gln)

Gene: TSC2 (TSC complex subunit 2; plus strand). Cytogenetic location: 16p13.3.
Variant type: single nucleotide variant.
Coding change: c.382A>C on transcript NM_000548.5 (MANE Select); coding-DNA position 382, A replaced by C.
Protein change: p.Lys128Gln; replaces lysine 128 with glutamine.
Molecular consequence: missense variant. On other transcripts: intron variant (1).
Genome position (GRCh38, 1-based): chr16:2,054,341, A>C. VCF-style: chr16-2054341-A-C. GRCh37 (hg19) VCF-style: chr16-2104342-A-C.
Other names: c.235A>C, p.Lys79Gln (NM_001318829.2, NM_001406675.1, NM_001406676.1 and 1 more transcripts); c.415A>C, p.Lys139Gln (NM_001318832.2); c.382A>C, p.Lys128Gln (NM_001363528.2, NM_001370404.1, NM_001370405.1 and 8 more transcripts); c.472A>C, p.Lys158Gln (NM_001406667.1, NM_001406668.1); c.-435A>C (NM_001406683.1, NM_001406687.1, NM_001406680.1); c.-1050A>C (NM_001406689.1, NM_001406690.1, NM_001406691.1 and 2 more transcripts); c.-1266A>C (NM_001406693.1); c.-931A>C (NM_001406694.1, NM_001406695.1); and 6 more; short protein forms K109Q, K128Q, K158Q, K79Q, K139Q, K91Q.
Identifiers: ClinVar variation 2055038 (VCV002055038.4), dbSNP rs2085502766, ClinGen allele CA394306803.

ClinVar aggregate classification (germline): Uncertain significance (1 of 4 stars; one submission).

Conditions:
Tuberous sclerosis 2 (TSC2). Identifiers: Orphanet 805, MedGen C1860707, MONDO:0013199, OMIM 613254.

Submission:

Labcorp Genetics (formerly Invitae), Labcorp
Classification: Uncertain significance for Tuberous sclerosis 2. Last evaluated: 2023-01-01. Review status: criteria provided, single submitter. Criteria: Invitae Variant Classification Sherloc (09022015). Collection method: clinical testing. Allele origin: germline.
Comment: This variant is not present in population databases (gnomAD no frequency). This variant has not been reported in the literature in individuals affected with TSC2-related conditions. Advanced modeling of protein sequence and biophysical properties (such as structural, functional, and spatial information, amino acid conservation, physicochemical variation, residue mobility, and thermodynamic stability) performed at Invitae indicates that this missense variant is not expected to disrupt TSC2 protein function. In summary, the available evidence is currently insufficient to determine the role of this variant in disease. Therefore, it has been classified as a Variant of Uncertain Significance. This sequence change replaces lysine, which is basic and polar, with glutamine, which is neutral and polar, at codon 128 of the TSC2 protein (p.Lys128Gln).